The following is an entry in ClinVar:

ClinVar aggregate classification (germline): Uncertain significance. Review status: criteria provided, multiple submitters, no conflicts (2 of 4 stars). 3 submissions from 3 submitters: Uncertain significance (3). Last evaluated 2024-09-04.

Conditions:
Inborn genetic diseases. Identifiers: MedGen C0950123, MeSH D030342.
Brachydactyly type B1 (BDB1). Identifiers: Orphanet 572385, Orphanet 93383, MedGen C1862112, MONDO:0007220, OMIM 113000.
Autosomal recessive Robinow syndrome (RRS1). Also called: ROR2-Related Robinow Syndrome; ROBINOW SYNDROME, AUTOSOMAL RECESSIVE 1; COSTOVERTEBRAL SEGMENTATION DEFECT WITH MESOMELIA; COVESDEM SYNDROME. Identifiers: Orphanet 1507, Orphanet 97360, MedGen C5399974, MONDO:0009999, OMIM 268310.

Allele frequency attached by ClinVar (database versions not stated): TOPMed below 0.00001; gnomAD 0.00001; ESP Exome Variant Server 0.00008.

Submissions (3):

Ambry Genetics
Classification: Uncertain significance for Inborn genetic diseases. Last evaluated: 2024-09-04. Review status: criteria provided, single submitter. Criteria: Ambry Variant Classification Scheme 2023. Collection method: clinical testing. Allele origin: germline.

Fulgent Genetics
Classification: Uncertain significance for Brachydactyly type B1; Autosomal recessive Robinow syndrome. Last evaluated: 2024-05-19. Review status: criteria provided, single submitter. Criteria: ACMG Guidelines, 2015. Collection method: clinical testing. Allele origin: germline.

Labcorp Genetics (formerly Invitae), Labcorp
Classification: Uncertain significance. Last evaluated: 2023-12-25. Review status: criteria provided, single submitter. Criteria: Invitae Variant Classification Sherloc (09022015). Collection method: clinical testing. Allele origin: germline.
Comment: This sequence change replaces arginine, which is basic and polar, with cysteine, which is neutral and slightly polar, at codon 253 of the ROR2 protein (p.Arg253Cys). This variant is present in population databases (rs138349801, gnomAD 0.002%). This variant has not been reported in the literature in individuals affected with ROR2-related conditions. Advanced modeling of protein sequence and biophysical properties (such as structural, functional, and spatial information, amino acid conservation, physicochemical variation, residue mobility, and thermodynamic stability) performed at Invitae indicates that this missense variant is expected to disrupt ROR2 protein function with a positive predictive value of 80%. In summary, the available evidence is currently insufficient to determine the role of this variant in disease. Therefore, it has been classified as a Variant of Uncertain Significance.

NM_004560.4(ROR2):c.757C>T (p.Arg253Cys)

Gene: ROR2 (receptor tyrosine kinase like orphan receptor 2; minus strand). Cytogenetic location: 9q22.31.
Variant type: single nucleotide variant.
Coding change: c.757C>T on transcript NM_004560.4 (MANE Select); coding-DNA position 757, C replaced by T.
Protein change: p.Arg253Cys; replaces arginine 253 with cysteine.
Molecular consequence: missense variant.
Genome position (GRCh38, 1-based): chr9:91,733,302, G>A on the plus strand (C>T on the coding strand, the complement: ROR2 is on the minus strand). VCF-style: chr9-91733302-G-A. GRCh37 (hg19) VCF-style: chr9-94495584-G-A.
Other names: c.757C>T, p.Arg253Cys (NM_001318204.2); c.757C>T (NM_004560.3); short protein forms R253C.
Identifiers: ClinVar variation 2979605 (VCV002979605.5), dbSNP rs138349801, ClinGen allele CA195333933.